The following is an entry in ClinVar:

NM_002972.4(SBF1):c.5452-6C>T

Gene: SBF1 (SET binding factor 1; minus strand). Cytogenetic location: 22q13.33.
Variant type: single nucleotide variant.
Coding change: c.5452-6C>T on transcript NM_002972.4 (MANE Select); 6 bases into the intron before coding-DNA position 5452, C replaced by T.
Molecular consequence: intron variant.
Genome position (GRCh38, 1-based): chr22:50,447,459, G>A on the plus strand (C>T on the coding strand, the complement: SBF1 is on the minus strand). VCF-style: chr22-50447459-G-A. GRCh37 (hg19) VCF-style: chr22-50885888-G-A.
Other names: c.5377-6C>T (NM_001365819.1).
Identifiers: ClinVar variation 1596079 (VCV001596079.17), dbSNP rs771066494, ClinGen allele CA10315825.

ClinVar aggregate classification (germline): Conflicting classifications of pathogenicity. Review status: criteria provided, conflicting classifications (1 of 4 stars). 3 submissions from 3 submitters: Uncertain significance (1); Likely benign (2). Last evaluated 2026-04-20.

Allele frequency attached by ClinVar (database versions not stated): gnomAD 0.00002; gnomAD exomes 0.00002 and 0.00007; TOPMed 0.00002; ExAC 0.00011.
gnomAD v4.1: 30 of 1,588,342 alleles (0.0019%); highest among the groups gnomAD compares: Middle Eastern, 0.033%; no homozygotes.

Submissions (3):

Women's Health and Genetics/Laboratory Corporation of America, LabCorp
Classification: Likely benign. Last evaluated: 2026-04-20. Review status: criteria provided, single submitter. Criteria: LabCorp Variant Classification Summary - May 2015. Collection method: clinical testing. Allele origin: germline.

CeGaT Center for Human Genetics Tuebingen
Classification: Uncertain significance. Last evaluated: 2025-07-01. Review status: criteria provided, single submitter. Criteria: CeGaT Center For Human Genetics Tuebingen Variant Classification Criteria Version 2. Collection method: clinical testing. Allele origin: germline. Affected: yes. Observed: 1 variant allele.
Comment: SBF1: PM2, BP4

Labcorp Genetics (formerly Invitae), Labcorp
Classification: Likely benign. Last evaluated: 2024-04-03. Review status: criteria provided, single submitter. Criteria: Invitae Variant Classification Sherloc (09022015). Collection method: clinical testing. Allele origin: germline.